The following is an entry in ClinVar:

NM_052947.4(ALPK2):c.2216A>G (p.Tyr739Cys)

Gene: ALPK2 (alpha kinase 2; minus strand). Cytogenetic location: 18q21.31.
Variant type: single nucleotide variant.
Coding change: c.2216A>G on transcript NM_052947.4 (MANE Select); coding-DNA position 2216, A replaced by G.
Protein change: p.Tyr739Cys; replaces tyrosine 739 with cysteine.
Molecular consequence: missense variant.
Genome position (GRCh38, 1-based): chr18:58,537,971, T>C on the plus strand (A>G on the coding strand, the complement: ALPK2 is on the minus strand). VCF-style: chr18-58537971-T-C. GRCh37 (hg19) VCF-style: chr18-56205203-T-C.
Other names: short protein forms Y739C.
Identifiers: ClinVar variation 1787836 (VCV001787836.2), dbSNP rs2518877984, ClinGen allele CA402571246.

ClinVar aggregate classification (germline): Uncertain significance (1 of 4 stars; one submission).

Submission:

Ambry Genetics
Classification: Uncertain significance. Last evaluated: 2021-09-11. Review status: criteria provided, single submitter. Criteria: Ambry Variant Classification Scheme 2023. Collection method: clinical testing. Allele origin: germline.
Comment: The p.Y739C variant (also known as c.2216A>G), located in coding exon 4 of the ALPK2 gene, results from an A to G substitution at nucleotide position 2216. The tyrosine at codon 739 is replaced by cysteine, an amino acid with highly dissimilar properties. This amino acid position is conserved. In addition, this alteration is predicted to be tolerated by in silico analysis. Since supporting evidence is limited at this time, the clinical significance of this alteration remains unclear.